The following is an entry in ClinVar:

ClinVar aggregate classification (germline): Uncertain significance (1 of 4 stars; one submission).

Submission:

Labcorp Genetics (formerly Invitae), Labcorp
Classification: Uncertain significance. Last evaluated: 2023-09-30. Review status: criteria provided, single submitter. Criteria: Invitae Variant Classification Sherloc (09022015). Collection method: clinical testing. Allele origin: germline.
Comment: Experimental studies and prediction algorithms are not available or were not evaluated, and the functional significance of this variant is currently unknown. In summary, the available evidence is currently insufficient to determine the role of this variant in disease. Therefore, it has been classified as a Variant of Uncertain Significance. This variant has not been reported in the literature in individuals affected with ACO2-related conditions. A copy number gain of the genomic region encompassing the full coding sequence of the ACO2 gene has been identified. The boundaries of this event are unknown as they extend beyond the assayed region for this gene and therefore may encompass additional genes. As the precise location of this event is unknown, it may be in tandem or it may be located elsewhere in the genome.

NC_000022.10:g.(?_41865151)_(41924617_?)dup

Genes: POLR3H (RNA polymerase III subunit H; minus strand), ACO2 (aconitase 2; plus strand). Cytogenetic location: 22q13.2.
Variant type: Duplication.
Identifiers: ClinVar variation 1441604 (VCV001441604.5).